The following is an entry in ClinVar:

NM_001854.4(COL11A1):c.1847G>T (p.Gly616Val)

Gene: COL11A1 (collagen type XI alpha 1 chain; minus strand). Cytogenetic location: 1p21.1.
Variant type: single nucleotide variant.
Coding change: c.1847G>T on transcript NM_001854.4 (MANE Select); coding-DNA position 1847, G replaced by T.
Protein change: p.Gly616Val; replaces glycine 616 with valine.
Molecular consequence: missense variant. On other transcripts: non-coding transcript variant (1).
Genome position (GRCh38, 1-based): chr1:103,004,660, C>A on the plus strand (G>T on the coding strand, the complement: COL11A1 is on the minus strand). VCF-style: chr1-103004660-C-A. GRCh37 (hg19) VCF-style: chr1-103470216-C-A.
Other names: c.1730G>T, p.Gly577Val (NM_001190709.2); c.1883G>T, p.Gly628Val (NM_080629.3); c.1499G>T, p.Gly500Val (NM_080630.4); short protein forms G616V, G500V, G577V, G628V.
Identifiers: ClinVar variation 4712262 (VCV004712262.1).

ClinVar aggregate classification (germline): Uncertain significance (1 of 4 stars; one submission).

Submission:

Labcorp Genetics (formerly Invitae), Labcorp
Classification: Uncertain significance. Last evaluated: 2025-02-04. Review status: criteria provided, single submitter. Criteria: Invitae Variant Classification Sherloc (09022015). Collection method: clinical testing. Allele origin: germline.
Comment: This sequence change replaces glycine, which is neutral and non-polar, with valine, which is neutral and non-polar, at codon 616 of the COL11A1 protein (p.Gly616Val). This variant is not present in population databases (gnomAD no frequency). This variant has not been reported in the literature in individuals affected with COL11A1-related conditions. Experimental studies and prediction algorithms are not available or were not evaluated, and the functional significance of this variant is currently unknown. In summary, the available evidence is currently insufficient to determine the role of this variant in disease. Therefore, it has been classified as a Variant of Uncertain Significance.